The following is an entry in ClinVar:

NM_212482.4(FN1):c.6705A>C (p.Glu2235Asp)

Gene: FN1 (fibronectin 1; minus strand). Cytogenetic location: 2q35.
Variant type: single nucleotide variant.
Coding change: c.6705A>C on transcript NM_212482.4 (MANE Select); coding-DNA position 6705, A replaced by C.
Protein change: p.Glu2235Asp; replaces glutamic acid 2235 with aspartic acid.
Molecular consequence: missense variant.
Genome position (GRCh38, 1-based): chr2:215,371,918, T>G on the plus strand (A>C on the coding strand, the complement: FN1 is on the minus strand). VCF-style: chr2-215371918-T-G. GRCh37 (hg19) VCF-style: chr2-216236641-T-G.
Other names: c.6612A>C, p.Glu2204Asp (NM_001306129.2); c.6075A>C, p.Glu2025Asp (NM_001306130.2); c.6069A>C, p.Glu2023Asp (NM_001306131.2); c.5994A>C, p.Glu1998Asp (NM_001306132.2); c.6435A>C, p.Glu2145Asp (NM_001365517.2); c.6432A>C, p.Glu2144Asp (NM_001365518.2); c.6360A>C, p.Glu2120Asp (NM_001365519.2); c.6357A>C, p.Glu2119Asp (NM_001365520.2); and 8 more; short protein forms E2024D, E2114D, E2204D, E2235D, E2023D, E2119D, E1998D, E2054D.
Identifiers: ClinVar variation 3722992 (VCV003722992.2).

ClinVar aggregate classification (germline): Uncertain significance (1 of 4 stars; one submission).

Submission:

Labcorp Genetics (formerly Invitae), Labcorp
Classification: Uncertain significance. Last evaluated: 2024-10-16. Review status: criteria provided, single submitter. Criteria: Invitae Variant Classification Sherloc (09022015). Collection method: clinical testing. Allele origin: germline.
Comment: This sequence change replaces glutamic acid, which is acidic and polar, with aspartic acid, which is acidic and polar, at codon 2235 of the FN1 protein (p.Glu2235Asp). This variant is not present in population databases (gnomAD no frequency). This variant has not been reported in the literature in individuals affected with FN1-related conditions. An algorithm developed to predict the effect of missense changes on protein structure and function outputs the following: PolyPhen-2: "Benign". The aspartic acid amino acid residue is found in multiple mammalian species, which suggests that this missense change does not adversely affect protein function. In summary, the available evidence is currently insufficient to determine the role of this variant in disease. Therefore, it has been classified as a Variant of Uncertain Significance.